The following is an entry in ClinVar:

ClinVar aggregate classification (germline): Uncertain significance. Review status: criteria provided, multiple submitters, no conflicts (2 of 4 stars). 3 submissions from 3 submitters: Uncertain significance (3). Last evaluated 2023-11-28.

Conditions:
Hereditary cancer-predisposing syndrome. Also called: Hereditary neoplastic syndrome; Neoplastic Syndromes, Hereditary; Tumor predisposition; Hereditary Cancer Syndrome. Identifiers: Orphanet 140162, MedGen C0027672, MeSH D009386, MONDO:0015356.
Nijmegen breakage syndrome-like disorder (NBSLD). Also called: MICROCEPHALY AND SPONTANEOUS CHROMOSOME INSTABILITY WITHOUT IMMUNODEFICIENCY; NBS-LIKE DISORDER; RAD50 DEFICIENCY. Identifiers: Orphanet 240760, MedGen C2751318, MONDO:0013118, OMIM 613078.

Allele frequency attached by ClinVar (database versions not stated): TOPMed below 0.00001.
gnomAD v4.1: 1 of 1,613,506 alleles (0.000062%); no homozygotes.

Submissions (3):

Baylor Genetics
Classification: Uncertain significance for Nijmegen breakage syndrome-like disorder. Last evaluated: 2023-11-28. Review status: criteria provided, single submitter. Criteria: ACMG Guidelines, 2015. Collection method: clinical testing. Allele origin: unknown.

Labcorp Genetics (formerly Invitae), Labcorp
Classification: Uncertain significance for Hereditary cancer-predisposing syndrome. Last evaluated: 2023-10-22. Review status: criteria provided, single submitter. Criteria: Invitae Variant Classification Sherloc (09022015). Collection method: clinical testing. Allele origin: germline.
Comment: This sequence change replaces alanine, which is neutral and non-polar, with valine, which is neutral and non-polar, at codon 274 of the RAD50 protein (p.Ala274Val). This variant is present in population databases (no rsID available, gnomAD 0.0009%). This variant has not been reported in the literature in individuals affected with RAD50-related conditions. ClinVar contains an entry for this variant (Variation ID: 948955). Advanced modeling of protein sequence and biophysical properties (such as structural, functional, and spatial information, amino acid conservation, physicochemical variation, residue mobility, and thermodynamic stability) performed at Invitae indicates that this missense variant is expected to disrupt RAD50 protein function. In summary, the available evidence is currently insufficient to determine the role of this variant in disease. Therefore, it has been classified as a Variant of Uncertain Significance.

Ambry Genetics
Classification: Uncertain significance for Hereditary cancer-predisposing syndrome. Last evaluated: 2023-01-07. Review status: criteria provided, single submitter. Criteria: Ambry Variant Classification Scheme 2023. Collection method: clinical testing. Allele origin: germline.
Comment: The p.A274V variant (also known as c.821C>T), located in coding exon 6 of the RAD50 gene, results from a C to T substitution at nucleotide position 821. The alanine at codon 274 is replaced by valine, an amino acid with similar properties. This amino acid position is conserved. In addition, this alteration is predicted to be tolerated by in silico analysis. Since supporting evidence is limited at this time, the clinical significance of this alteration remains unclear.

NM_005732.4(RAD50):c.821C>T (p.Ala274Val)

Gene: RAD50 (RAD50 double strand break repair protein; plus strand). Cytogenetic location: 5q31.1.
Variant type: single nucleotide variant.
Coding change: c.821C>T on transcript NM_005732.4 (MANE Select); coding-DNA position 821, C replaced by T.
Protein change: p.Ala274Val; replaces alanine 274 with valine.
Molecular consequence: missense variant.
Genome position (GRCh38, 1-based): chr5:132,587,626, C>T. VCF-style: chr5-132587626-C-T. GRCh37 (hg19) VCF-style: chr5-131923318-C-T.
Other names: short protein forms A274V.
Identifiers: ClinVar variation 948955 (VCV000948955.10), dbSNP rs587781947, ClinGen allele CA360940225.